The following is an entry in ClinVar:

NM_001844.5(COL2A1):c.1222-12_1222-5del

Gene: COL2A1 (collagen type II alpha 1 chain; minus strand). Cytogenetic location: 12q13.11.
Variant type: Deletion.
Coding change: c.1222-12_1222-5del on transcript NM_001844.5 (MANE Select); 12 bases into the intron before coding-DNA position 1222 through 5 bases into the intron before coding-DNA position 1222, 8 bases deleted (CTCCCTTT; older notation c.1222-12_1222-5delCTCCCTTT).
Molecular consequence: intron variant.
Genome position (GRCh38, 1-based): chr12:47,987,318-47,987,325, AAAGGGAG deleted on the plus strand (CTCCCTTT on the coding strand, the reverse complement: COL2A1 is on the minus strand); deleting any 8 consecutive bases within chr12:47,987,318-47,987,326 gives the same sequence; the c. name uses the placement nearest the transcript's 3' end. VCF-style (leftmost placement, unchanged base first): chr12-47987317-AAAAGGGAG-A. GRCh37 (hg19) VCF-style: chr12-48381100-AAAAGGGAG-A.
Other names: c.1015-12_1015-5del (NM_033150.3).
Identifiers: ClinVar variation 4718108 (VCV004718108.1).

ClinVar aggregate classification (germline): Uncertain significance (1 of 4 stars; one submission).

Submission:

Labcorp Genetics (formerly Invitae), Labcorp
Classification: Uncertain significance. Last evaluated: 2025-05-01. Review status: criteria provided, single submitter. Criteria: Invitae Variant Classification Sherloc (09022015). Collection method: clinical testing. Allele origin: germline.
Comment: This sequence change falls in intron 19 of the COL2A1 gene. It does not directly change the encoded amino acid sequence of the COL2A1 protein. This variant is not present in population databases (gnomAD no frequency). This variant has not been reported in the literature in individuals affected with COL2A1-related conditions. Algorithms developed to predict the effect of sequence changes on RNA splicing suggest that this variant may disrupt the consensus splice site. In summary, the available evidence is currently insufficient to determine the role of this variant in disease. Therefore, it has been classified as a Variant of Uncertain Significance.